The following is an entry in ClinVar:

NM_000091.5(COL4A3):c.3878G>A (p.Arg1293His)

Genes: COL4A3 (collagen type IV alpha 3 chain; plus strand), MFF-DT (MFF divergent transcript; minus strand). Cytogenetic location: 2q36.3.
Variant type: single nucleotide variant.
Coding change: c.3878G>A on transcript NM_000091.5 (MANE Select); coding-DNA position 3878, G replaced by A.
Protein change: p.Arg1293His; replaces arginine 1293 with histidine.
Molecular consequence: missense variant.
Genome position (GRCh38, 1-based): chr2:227,298,808, G>A. VCF-style: chr2-227298808-G-A. GRCh37 (hg19) VCF-style: chr2-228163524-G-A.
Other names: p.Arg1293His; short protein forms R1293H.
Identifiers: ClinVar variation 2064068 (VCV002064068.6), dbSNP rs201095498, ClinGen allele CA2147365.

ClinVar aggregate classification (germline): Uncertain significance. Review status: criteria provided, multiple submitters, no conflicts (2 of 4 stars). 5 submissions from 5 submitters: Uncertain significance (5). Last evaluated 2026-02-02.

Conditions:
Hematuria, benign familial, 2 (BFH2). Identifiers: MedGen C5830421, MONDO:0958186, OMIM 620320.
Alport syndrome 3b, autosomal recessive. Identifiers: MedGen C5882699, MONDO:0957811, OMIM 620536.
Autosomal dominant Alport syndrome (ATS3A). Also called: Alport syndrome dominant type; Renal failure and sensorineural hearing loss; ALPORT SYNDROME 3A, AUTOSOMAL DOMINANT. Identifiers: Orphanet 63, Orphanet 88918, MedGen C5882663, MONDO:0007086, OMIM 104200.
COL4A3-related disorder. Also called: COL4A3-related condition; COL4A3-Related Disorders.

Allele frequency attached by ClinVar (database versions not stated): gnomAD 0.00003; ExAC 0.00004; TOPMed 0.00006; ESP Exome Variant Server 0.00008.
gnomAD v4.1: 67 of 1,613,450 alleles (0.0042%); highest among the groups gnomAD compares: Non-Finnish European, 0.0047%; no homozygotes.

Submissions (5):

PreventionGenetics, part of Exact Sciences
Classification: Uncertain significance for COL4A3-related condition. Last evaluated: 2026-02-02. Review status: criteria provided, single submitter. Criteria: ACMG Guidelines, 2015. Collection method: clinical testing. Allele origin: germline.
Comment: The COL4A3 c.3878G>A variant is predicted to result in the amino acid substitution p.Arg1293His. To our knowledge, this variant has not been reported in the literature. This variant is reported in 0.0058% of alleles in individuals of Latino descent in gnomAD. At this time, the clinical significance of this variant is uncertain due to the absence of conclusive functional and genetic evidence.

Women's Health and Genetics/Laboratory Corporation of America, LabCorp
Classification: Uncertain significance. Last evaluated: 2025-10-28. Review status: criteria provided, single submitter. Criteria: LabCorp Variant Classification Summary - May 2015. Collection method: clinical testing. Allele origin: germline.
Comment: Variant summary: COL4A3 c.3878G>A (p.Arg1293His) results in a non-conservative amino acid change in the encoded protein sequence. Algorithms developed to predict the effect of missense changes on protein structure and function are either unavailable or do not agree on the potential impact of this missense change. The variant allele was found at a frequency of 2.4e-05 in 248894 control chromosomes. The available data on variant occurrences in the general population are insufficient to allow any conclusion about variant significance. To our knowledge, no occurrence of c.3878G>A in individuals affected with COL4A3-related conditions and no experimental evidence demonstrating its impact on protein function have been reported. ClinVar contains an entry for this variant (Variation ID: 2064068). Based on the evidence outlined above, the variant was classified as uncertain significance.

Mayo Clinic Laboratories, Mayo Clinic
Classification: Uncertain significance. Last evaluated: 2024-08-14. Review status: criteria provided, single submitter. Criteria: ACMG Guidelines, 2015. Collection method: clinical testing. Allele origin: germline. Observed: 1 variant allele.
Comment: BP4

Labcorp Genetics (formerly Invitae), Labcorp
Classification: Uncertain significance. Last evaluated: 2024-06-29. Review status: criteria provided, single submitter. Criteria: Invitae Variant Classification Sherloc (09022015). Collection method: clinical testing. Allele origin: germline.
Comment: This sequence change replaces arginine, which is basic and polar, with histidine, which is basic and polar, at codon 1293 of the COL4A3 protein (p.Arg1293His). This variant is present in population databases (rs201095498, gnomAD 0.003%). This variant has not been reported in the literature in individuals affected with COL4A3-related conditions. ClinVar contains an entry for this variant (Variation ID: 2064068). Advanced modeling of protein sequence and biophysical properties (such as structural, functional, and spatial information, amino acid conservation, physicochemical variation, residue mobility, and thermodynamic stability) performed at Invitae indicates that this missense variant is not expected to disrupt COL4A3 protein function with a negative predictive value of 95%. In summary, the available evidence is currently insufficient to determine the role of this variant in disease. Therefore, it has been classified as a Variant of Uncertain Significance.

Fulgent Genetics
Classification: Uncertain significance for Autosomal dominant Alport syndrome; Hematuria, benign familial, 2; Alport syndrome 3b, autosomal recessive. Last evaluated: 2024-06-03. Review status: criteria provided, single submitter. Criteria: ACMG Guidelines, 2015. Collection method: clinical testing. Allele origin: germline.